The following is an entry in ClinVar:

ClinVar aggregate classification (germline): Uncertain significance. Review status: criteria provided, multiple submitters, no conflicts (2 of 4 stars). 2 submissions from 2 submitters: Uncertain significance (2). Last evaluated 2025-05-22.

Conditions:
Gastrointestinal stromal tumor. Also called: Gastrointestinal stromal tumor, somatic; Gastrointestinal stroma tumor. Identifiers: Orphanet 44890, MedGen C0238198, MeSH D046152, MONDO:0011719, OMIM 606764, HP:0100723.
Hereditary cancer-predisposing syndrome. Also called: Tumor predisposition; Neoplastic Syndromes, Hereditary; Hereditary Cancer Syndrome; Hereditary neoplastic syndrome. Identifiers: Orphanet 140162, MedGen C0027672, MeSH D009386, MONDO:0015356.

Allele frequency attached by ClinVar (database versions not stated): gnomAD exomes below 0.00001 and 0.00001; TOPMed 0.00001.

Submissions (2):

Labcorp Genetics (formerly Invitae), Labcorp
Classification: Uncertain significance for Gastrointestinal stromal tumor. Last evaluated: 2025-05-22. Review status: criteria provided, single submitter. Criteria: Invitae Variant Classification Sherloc (09022015). Collection method: clinical testing. Allele origin: germline.
Comment: This sequence change replaces glycine, which is neutral and non-polar, with alanine, which is neutral and non-polar, at codon 265 of the KIT protein (p.Gly265Ala). This variant is present in population databases (no rsID available, gnomAD 0.007%). This variant has not been reported in the literature in individuals affected with KIT-related conditions. ClinVar contains an entry for this variant (Variation ID: 1506654). An algorithm developed to predict the effect of missense changes on protein structure and function (PolyPhen-2) suggests that this variant is likely to be disruptive. In summary, the available evidence is currently insufficient to determine the role of this variant in disease. Therefore, it has been classified as a Variant of Uncertain Significance.

Ambry Genetics
Classification: Uncertain significance for Hereditary cancer-predisposing syndrome. Last evaluated: 2024-05-27. Review status: criteria provided, single submitter. Criteria: Ambry Variant Classification Scheme 2023. Collection method: clinical testing. Allele origin: germline.
Comment: The p.G265A variant (also known as c.794G>C), located in coding exon 5 of the KIT gene, results from a G to C substitution at nucleotide position 794. The glycine at codon 265 is replaced by alanine, an amino acid with similar properties. This amino acid position is conserved. In addition, the in silico prediction for this alteration is inconclusive. Since supporting evidence is limited at this time, the clinical significance of this alteration remains unclear.

NM_000222.3(KIT):c.794G>C (p.Gly265Ala)

Gene: KIT (KIT proto-oncogene, receptor tyrosine kinase; plus strand). Cytogenetic location: 4q12.
Variant type: single nucleotide variant.
Coding change: c.794G>C on transcript NM_000222.3 (MANE Select); coding-DNA position 794, G replaced by C.
Protein change: p.Gly265Ala; replaces glycine 265 with alanine.
Molecular consequence: missense variant.
Genome position (GRCh38, 1-based): chr4:54,703,761, G>C. VCF-style: chr4-54703761-G-C. GRCh37 (hg19) VCF-style: chr4-55569927-G-C.
Other names: c.794G>C, p.Gly265Ala (NM_001093772.2, NM_001385285.1, NM_001385286.1); c.797G>C, p.Gly266Ala (NM_001385284.1, NM_001385288.1, NM_001385290.1 and 1 more transcripts); short protein forms G265A, G266A.
Identifiers: ClinVar variation 1506654 (VCV001506654.9), dbSNP rs1450761446, ClinGen allele CA356899434.
Genomic context (GRCh38, chr4:54,703,761, plus strand): 5'-TTCTCCTTTTCTGAAACCAGCAGACTAAACTACAGGAGAAATATAATAGCTGGCATCACG[G>C]TGACTTCAATTATGAACGTCAGGCAACGTTGACTATCAGTTCAGCGAGAGTTAATGATTC-3'
Protein context (NP_000213.1, residues 255-275): LQEKYNSWHH[Gly265Ala]DFNYERQATL